The following is an entry in ClinVar:

ClinVar aggregate classification (germline): Uncertain significance (1 of 4 stars; one submission).

Conditions:
Melnick-Needles syndrome (MNS). Also called: MELNICK-NEEDLES OSTEODYSPLASTY; OSTEODYSPLASTY OF MELNICK AND NEEDLES; Melnick-Needles Syndrome (FLNA-MNS). Identifiers: Orphanet 2484, MedGen C0025237, MONDO:0010650, OMIM 309350.
Frontometaphyseal dysplasia (FMD1). Identifiers: Orphanet 1826, MedGen C0265293, MONDO:0015942.
Heterotopia, periventricular, X-linked dominant (PVNH1). Also called: PERIVENTRICULAR NODULAR HETEROTOPIA 1; X-linked periventricular heterotopia; PERIVENTRICULAR NODULAR HETEROTOPIA 4; HETEROTOPIA, PERIVENTRICULAR, 1. Identifiers: Orphanet 2149, Orphanet 82004, MedGen C1848213, MONDO:0010233, OMIM 300049.
Oto-palato-digital syndrome, type II (OPD2). Also called: FACIOPALATOOSSEOUS SYNDROME; OPD II SYNDROME; Otopalatodigital Syndrome, Type II; Otopalatodigital Syndrome Type 2 (FLNA-OPD2). Identifiers: Orphanet 669, Orphanet 90652, MedGen C1844696, MONDO:0010571, OMIM 304120.

Submission:

Labcorp Genetics (formerly Invitae), Labcorp
Classification: Uncertain significance for Oto-palato-digital syndrome, type II; Heterotopia, periventricular, X-linked dominant; Frontometaphyseal dysplasia; Melnick-Needles syndrome. Last evaluated: 2024-02-06. Review status: criteria provided, single submitter. Criteria: Invitae Variant Classification Sherloc (09022015). Collection method: clinical testing. Allele origin: germline.
Comment: This sequence change falls in intron 6 of the FLNA gene. It does not directly change the encoded amino acid sequence of the FLNA protein. It affects a nucleotide within the consensus splice site. This variant is not present in population databases (gnomAD no frequency). This variant has not been reported in the literature in individuals affected with FLNA-related conditions. Variants that disrupt the consensus splice site are a relatively common cause of aberrant splicing (PMID: 17576681, 9536098). Algorithms developed to predict the effect of sequence changes on RNA splicing suggest that this variant is not likely to affect RNA splicing. In summary, the available evidence is currently insufficient to determine the role of this variant in disease. Therefore, it has been classified as a Variant of Uncertain Significance.

Literature cited by the submitters: PubMed 17576681; PubMed 9536098.

NM_001110556.2(FLNA):c.987+5G>A

Gene: FLNA (filamin A; minus strand). Cytogenetic location: Xq28.
Variant type: single nucleotide variant.
Coding change: c.987+5G>A on transcript NM_001110556.2 (MANE Select); 5 bases into the intron after coding-DNA position 987, G replaced by A.
Molecular consequence: intron variant.
Genome position (GRCh38, 1-based): chrX:154,366,727, C>T on the plus strand (G>A on the coding strand, the complement: FLNA is on the minus strand). VCF-style: chrX-154366727-C-T. GRCh37 (hg19) VCF-style: chrX-153595095-C-T.
Other names: c.987+5G>A (NM_001456.4).
Identifiers: ClinVar variation 3752935 (VCV003752935.2).